The following is an entry in ClinVar:

ClinVar aggregate classification (germline): Likely benign (1 of 4 stars; one submission).

gnomAD v4.1: 2 of 1,614,204 alleles (0.00012%); highest among the groups gnomAD compares: Non-Finnish European, 0.000085%; no homozygotes.

Submission:

CeGaT Center for Human Genetics Tuebingen
Classification: Likely benign. Last evaluated: 2026-01-01. Review status: criteria provided, single submitter. Criteria: CeGaT Center For Human Genetics Tuebingen Variant Classification Criteria Version 2. Collection method: clinical testing. Allele origin: germline. Affected: yes. Observed: 1 variant allele.
Comment: LRRC19: BP4, BP7

NM_022901.3(LRRC19):c.466T>C (p.Leu156=)

Genes: IFT74 (intraflagellar transport 74; plus strand), LRRC19 (leucine rich repeat containing 19; minus strand). Cytogenetic location: 9p21.2.
Variant type: single nucleotide variant.
Coding change: c.466T>C on transcript NM_022901.3 (MANE Select); coding-DNA position 466, T replaced by C.
Protein change: p.Leu156=; no amino-acid change (leucine 156 retained).
Molecular consequence: synonymous variant. On other transcripts: intron variant (5).
Genome position (GRCh38, 1-based): chr9:26,997,857, A>G on the plus strand (T>C on the coding strand, the complement: LRRC19 is on the minus strand). VCF-style: chr9-26997857-A-G. GRCh37 (hg19) VCF-style: chr9-26997855-A-G.
Other names: c.587+7662A>G (NM_001099223.3, NM_001099222.3, NM_001349928.2 and 2 more transcripts).
Identifiers: ClinVar variation 4820936 (VCV004820936.4).